The following is an entry in ClinVar:

ClinVar aggregate classification (germline): Uncertain significance (1 of 4 stars; one submission).

Conditions:
Hereditary cancer-predisposing syndrome. Also called: Neoplastic Syndromes, Hereditary; Tumor predisposition; Hereditary neoplastic syndrome; Hereditary Cancer Syndrome. Identifiers: Orphanet 140162, MedGen C0027672, MeSH D009386, MONDO:0015356.

Submission:

Ambry Genetics
Classification: Uncertain significance for Hereditary cancer-predisposing syndrome. Last evaluated: 2023-02-04. Review status: criteria provided, single submitter. Criteria: Ambry Variant Classification Scheme 2023. Collection method: clinical testing. Allele origin: germline.
Comment: The p.K198M variant (also known as c.593A>T), located in coding exon 7 of the CDC73 gene, results from an A to T substitution at nucleotide position 593. The lysine at codon 198 is replaced by methionine, an amino acid with similar properties. This amino acid position is conserved. In addition, this alteration is predicted to be deleterious by in silico analysis. Since supporting evidence is limited at this time, the clinical significance of this alteration remains unclear.

NM_024529.5(CDC73):c.593A>T (p.Lys198Met)

Gene: CDC73 (cell division cycle 73; plus strand). Cytogenetic location: 1q31.2.
Variant type: single nucleotide variant.
Coding change: c.593A>T on transcript NM_024529.5 (MANE Select); coding-DNA position 593, A replaced by T.
Protein change: p.Lys198Met; replaces lysine 198 with methionine.
Molecular consequence: missense variant.
Genome position (GRCh38, 1-based): chr1:193,141,930, A>T. VCF-style: chr1-193141930-A-T. GRCh37 (hg19) VCF-style: chr1-193111060-A-T.
Other names: short protein forms K198M.
Identifiers: ClinVar variation 2450587 (VCV002450587.2), dbSNP rs1675913233, ClinGen allele CA343962432.